The following is an entry in ClinVar:

ClinVar aggregate classification (germline): Pathogenic (1 of 4 stars; one submission).

Conditions:
Familial hemiplegic migraine. Identifiers: MedGen C0338484, MONDO:0000700.

Submission:

Labcorp Genetics (formerly Invitae), Labcorp
Classification: Pathogenic for Familial hemiplegic migraine. Last evaluated: 2024-09-13. Review status: criteria provided, single submitter. Criteria: Invitae Variant Classification Sherloc (09022015). Collection method: clinical testing. Allele origin: germline.
Comment: This sequence change replaces arginine, which is basic and polar, with leucine, which is neutral and non-polar, at codon 593 of the ATP1A2 protein (p.Arg593Leu). This variant is not present in population databases (gnomAD no frequency). This missense change has been observed in individual(s) with familial hemiplegic migraine (internal data). It has also been observed to segregate with disease in related individuals. ClinVar contains an entry for this variant (Variation ID: 647596). Invitae Evidence Modeling of protein sequence and biophysical properties (such as structural, functional, and spatial information, amino acid conservation, physicochemical variation, residue mobility, and thermodynamic stability) indicates that this missense variant is expected to disrupt ATP1A2 protein function with a positive predictive value of 80%. This variant disrupts the p.Arg593 amino acid residue in ATP1A2. Other variant(s) that disrupt this residue have been determined to be pathogenic (PMID: 16538223, 22117059). This suggests that this residue is clinically significant, and that variants that disrupt this residue are likely to be disease-causing. For these reasons, this variant has been classified as Pathogenic.

Literature cited by the submitters: PubMed 16538223; PubMed 22117059.

NM_000702.4(ATP1A2):c.1778G>T (p.Arg593Leu)

Gene: ATP1A2 (ATPase Na+/K+ transporting subunit alpha 2; plus strand). Cytogenetic location: 1q23.2.
Variant type: single nucleotide variant.
Coding change: c.1778G>T on transcript NM_000702.4 (MANE Select); coding-DNA position 1778, G replaced by T.
Protein change: p.Arg593Leu; replaces arginine 593 with leucine.
Molecular consequence: missense variant.
Genome position (GRCh38, 1-based): chr1:160,130,548, G>T. VCF-style: chr1-160130548-G-T. GRCh37 (hg19) VCF-style: chr1-160100338-G-T.
Other names: short protein forms R593L.
Identifiers: ClinVar variation 647596 (VCV000647596.10), dbSNP rs1553245178, ClinGen allele CA343244420.